The following is an entry in ClinVar:

ClinVar aggregate classification (germline): Uncertain significance. Review status: criteria provided, multiple submitters, no conflicts (2 of 4 stars). 4 submissions from 4 submitters: Uncertain significance (3). 1 of the submissions does not count toward it. Last evaluated 2022-09-08.

Conditions:
JUP-related disorder. Also called: JUP-related condition.
Cardiovascular phenotype. Identifiers: MedGen CN230736.
Naxos disease (NXD). Also called: WOOLLY HAIR, PALMOPLANTAR KERATODERMA, AND CARDIAC ABNORMALITIES; KERATOSIS PALMOPLANTARIS WITH ARRHYTHMOGENIC CARDIOMYOPATHY; MAL DE NAXOS; PALMOPLANTAR KERATODERMA WITH ARRHYTHMOGENIC RIGHT VENTRICULAR CARDIOMYOPATHY AND WOOLLY HAIR; CARDIOMYOPATHY, ARRHYTHMOGENIC RIGHT VENTRICULAR, WITH SKIN, HAIR, AND NAIL ABNORMALITIES. Identifiers: Orphanet 34217, MedGen C1832600, MONDO:0011017, OMIM 601214.
Arrhythmogenic right ventricular dysplasia 12. Also called: ARRHYTHMOGENIC RIGHT VENTRICULAR DYSPLASIA, FAMILIAL, 12. Identifiers: MedGen C1969081, MONDO:0012684, OMIM 611528.

Allele frequency attached by ClinVar (database versions not stated): gnomAD 0.00001; TOPMed 0.00001; gnomAD exomes below 0.00001.

Submissions (4):

GeneDx
Classification: Uncertain significance. Last evaluated: 2022-09-08. Review status: criteria provided, single submitter. Criteria: GeneDx Variant Classification Process June 2021. Collection method: clinical testing. Allele origin: germline. Affected: yes.
Comment: Has not been previously published as pathogenic or benign to our knowledge; Not observed at significant frequency in large population cohorts (gnomAD); In silico analysis supports that this missense variant does not alter protein structure/function

Ambry Genetics
Classification: Uncertain significance for Cardiovascular phenotype. Last evaluated: 2021-11-29. Review status: criteria provided, single submitter. Criteria: Ambry Variant Classification Scheme 2023. Collection method: clinical testing. Allele origin: germline.
Comment: The p.H717D variant (also known as c.2149C>G), located in coding exon 13 of the JUP gene, results from a C to G substitution at nucleotide position 2149. The histidine at codon 717 is replaced by aspartic acid, an amino acid with similar properties. This amino acid position is conserved. In addition, this alteration is predicted to be tolerated by in silico analysis. Since supporting evidence is limited at this time, the clinical significance of this alteration remains unclear.

Labcorp Genetics (formerly Invitae), Labcorp
Classification: Uncertain significance for Arrhythmogenic right ventricular dysplasia 12; Naxos disease. Last evaluated: 2019-07-17. Review status: criteria provided, single submitter. Criteria: Invitae Variant Classification Sherloc (09022015). Collection method: clinical testing. Allele origin: germline.
Comment: In summary, the available evidence is currently insufficient to determine the role of this variant in disease. Therefore, it has been classified as a Variant of Uncertain Significance. Algorithms developed to predict the effect of missense changes on protein structure and function (SIFT, PolyPhen-2, Align-GVGD) all suggest that this variant is likely to be tolerated, but these predictions have not been confirmed by published functional studies and their clinical significance is uncertain. This variant has not been reported in the literature in individuals with JUP-related conditions. This variant is not present in population databases (ExAC no frequency). This sequence change replaces histidine with aspartic acid at codon 717 of the JUP protein (p.His717Asp). The histidine residue is weakly conserved and there is a moderate physicochemical difference between histidine and aspartic acid.

PreventionGenetics, part of Exact Sciences
Classification: Uncertain significance for JUP-related condition. Last evaluated: 2024-07-16. Review status: no assertion criteria provided. Collection method: clinical testing. Allele origin: germline. Not counted in ClinVar's aggregate classification.
Comment: The JUP c.2149C>G variant is predicted to result in the amino acid substitution p.His717Asp. To our knowledge, this variant has not been reported in the literature or in a large population database, indicating this variant is rare. At this time, the clinical significance of this variant is uncertain due to the absence of conclusive functional and genetic evidence.

NM_002230.4(JUP):c.2149C>G (p.His717Asp)

Gene: JUP (junction plakoglobin; minus strand). Cytogenetic location: 17q21.2.
Variant type: single nucleotide variant.
Coding change: c.2149C>G on transcript NM_002230.4 (MANE Select); coding-DNA position 2149, C replaced by G.
Protein change: p.His717Asp; replaces histidine 717 with aspartic acid.
Molecular consequence: missense variant.
Genome position (GRCh38, 1-based): chr17:41,755,833, G>C on the plus strand (C>G on the coding strand, the complement: JUP is on the minus strand). VCF-style: chr17-41755833-G-C. GRCh37 (hg19) VCF-style: chr17-39912085-G-C.
Other names: c.2149C>G (NM_021991.2); c.2149C>G, p.His717Asp (NM_001352773.2, NM_001352774.2, NM_001352775.2 and 3 more transcripts); short protein forms H717D.
Identifiers: ClinVar variation 956454 (VCV000956454.12), dbSNP rs1347008405, ClinGen allele CA399490553.